The following is an entry in ClinVar:

ClinVar aggregate classification (germline): Uncertain significance (1 of 4 stars; one submission).

Conditions:
Developmental and epileptic encephalopathy. Identifiers: MedGen C5779964, MONDO:0100620.

Submission:

Labcorp Genetics (formerly Invitae), Labcorp
Classification: Uncertain significance for Early-infantile DEE. Last evaluated: 2019-07-12. Review status: criteria provided, single submitter. Criteria: Invitae Variant Classification Sherloc (09022015). Collection method: clinical testing. Allele origin: germline.
Comment: This variant results in a copy number gain of the genomic region encompassing exons 1-5 of the HCN1 gene, which includes the initiator codon. The 5' end of this event is unknown as it extends beyond the assayed region for this gene and therefore may encompass additional genes. The 3' boundary is likely confined to intron 5 of the HCN1 gene. As the precise location of this event is unknown, it may be in tandem or it may be located elsewhere in the genome. This variant has not been reported in the literature in individuals with HCN1-related conditions. In summary, the available evidence is currently insufficient to determine the role of this variant in disease. Therefore, it has been classified as a Variant of Uncertain Significance.

NC_000005.10:g.(?_45353080)_(45696113_?)dup

Gene: HCN1 (hyperpolarization activated cyclic nucleotide gated potassium channel 1; minus strand). Cytogenetic location: 5p12.
Variant type: Duplication.
Identifiers: ClinVar variation 830551 (VCV000830551.3).